The following is an entry in ClinVar:

NM_001330288.2(SMARCC2):c.3430C>G (p.Pro1144Ala)

Gene: SMARCC2 (SWI/SNF related BAF chromatin remodeling complex subunit C2; minus strand). Cytogenetic location: 12q13.2.
Variant type: single nucleotide variant.
Coding change: c.3430C>G on transcript NM_001330288.2 (MANE Select); coding-DNA position 3430, C replaced by G.
Protein change: p.Pro1144Ala; replaces proline 1144 with alanine.
Molecular consequence: missense variant. On other transcripts: intron variant (2).
Genome position (GRCh38, 1-based): chr12:56,164,534, G>C on the plus strand (C>G on the coding strand, the complement: SMARCC2 is on the minus strand). VCF-style: chr12-56164534-G-C. GRCh37 (hg19) VCF-style: chr12-56558318-G-C.
Other names: c.3337C>G, p.Pro1113Ala (NM_003075.5); c.3316+114C>G (NM_139067.4, NM_001130420.3); short protein forms P1144A, P1113A.
Identifiers: ClinVar variation 2349090 (VCV002349090.25), dbSNP rs199731176, ClinGen allele CA6625557.

ClinVar aggregate classification (germline): Likely benign. Review status: criteria provided, multiple submitters, no conflicts (2 of 4 stars). 2 submissions from 2 submitters: Likely benign (2). Last evaluated 2026-08-01.

Conditions:
Inborn genetic diseases. Identifiers: MedGen C0950123, MeSH D030342.

Allele frequency attached by ClinVar (database versions not stated): gnomAD 0.00008; TOPMed 0.00011; gnomAD exomes 0.00012; ExAC 0.00015; 1000 Genomes Project 30x 0.00016; 1000 Genomes Project 0.00020; ESP Exome Variant Server 0.00031.
gnomAD v4.1: 180 of 1,614,206 alleles (0.011%); highest among the groups gnomAD compares: Middle Eastern, 0.033%; 1 homozygote.

Submissions (2):

CeGaT Center for Human Genetics Tuebingen
Classification: Likely benign. Last evaluated: 2026-08-01. Review status: criteria provided, single submitter. Criteria: CeGaT Center For Human Genetics Tuebingen Variant Classification Criteria Version 2. Collection method: clinical testing. Allele origin: germline. Affected: yes. Observed: 2 variant alleles.
Comment: SMARCC2: BS1

Ambry Genetics
Classification: Likely benign for Inborn genetic diseases. Last evaluated: 2022-02-04. Review status: criteria provided, single submitter. Criteria: Ambry Variant Classification Scheme 2023. Collection method: clinical testing. Allele origin: germline.